The following is an entry in ClinVar:

NM_080680.3(COL11A2):c.2726GAG[1] (p.Gly910del)

Gene: COL11A2 (collagen type XI alpha 2 chain; minus strand). Cytogenetic location: 6p21.32.
Variant type: Microsatellite.
Coding change: c.2726GAG[1] on transcript NM_080680.3 (MANE Select); one copy of the 3-base unit GAG starting at c.2726; the reference has two copies in a row; one copy, 3 bases deleted.
Protein change: p.Gly910del; deletes glycine 910.
Genome position (GRCh38, 1-based): chr6:33,173,353-33,173,355, CTC deleted on the plus strand (GAG on the coding strand, the reverse complement: COL11A2 is on the minus strand); deleting any 3 consecutive bases within chr6:33,173,353-33,173,358 gives the same sequence; the position shown is the placement nearest the transcript's 3' end. VCF-style (leftmost placement, unchanged base first): chr6-33173352-TCTC-T. GRCh37 (hg19) VCF-style: chr6-33141129-TCTC-T.
Other names: c.2546GAG[1], p.Gly850del (NM_001424108.1); c.1880GAG[1], p.Gly628del (NM_001424109.1); c.1700GAG[1], p.Gly568del (NM_001424110.1, NM_001424111.1); c.680GAG[1], p.Gly228del (NM_001424112.1); c.2405GAG[1], p.Gly803del (NM_080679.3); c.2468GAG[1], p.Gly824del (NM_080681.3); short protein forms G910del, G228del, G824del, G628del, G803del, G568del, G850del.
Identifiers: ClinVar variation 3677122 (VCV003677122.2).
Genomic context (GRCh38, chr6:33,173,352, plus strand): 5'-GGGTTAAAGGGTCTGATGGAGCCCCCTGAGAATGGGTAGCCAGGAGCATCACTCACCACT[TCTC>T]CTCTTTGGCCTGGGTGTCCCGGCAGCCCATCCTTCCCAGGGGGGCCCTGGAAGGGGTTCA-3'

ClinVar aggregate classification (germline): Uncertain significance (1 of 4 stars; one submission).

Submission:

Labcorp Genetics (formerly Invitae), Labcorp
Classification: Uncertain significance. Last evaluated: 2024-02-17. Review status: criteria provided, single submitter. Criteria: Invitae Variant Classification Sherloc (09022015). Collection method: clinical testing. Allele origin: germline.
Comment: This variant, c.2729_2731del, results in the deletion of 1 amino acid(s) of the COL11A2 protein (p.Gly910del), but otherwise preserves the integrity of the reading frame. This variant is not present in population databases (gnomAD no frequency). This variant has not been reported in the literature in individuals affected with COL11A2-related conditions. Experimental studies and prediction algorithms are not available or were not evaluated, and the functional significance of this variant is currently unknown. In summary, the available evidence is currently insufficient to determine the role of this variant in disease. Therefore, it has been classified as a Variant of Uncertain Significance.